The following is an entry in ClinVar:

NM_003000.3(SDHB):c.113G>C (p.Arg38Pro)

Gene: SDHB (succinate dehydrogenase complex iron sulfur subunit B; minus strand). Cytogenetic location: 1p36.13.
Variant type: single nucleotide variant.
Coding change: c.113G>C on transcript NM_003000.3 (MANE Select); coding-DNA position 113, G replaced by C.
Protein change: p.Arg38Pro; replaces arginine 38 with proline.
Molecular consequence: missense variant.
Genome position (GRCh38, 1-based): chr1:17,044,848, C>G on the plus strand (G>C on the coding strand, the complement: SDHB is on the minus strand). VCF-style: chr1-17044848-C-G. GRCh37 (hg19) VCF-style: chr1-17371343-C-G.
Other names: short protein forms R38P.
Identifiers: ClinVar variation 660407 (VCV000660407.12), dbSNP rs143058777, ClinGen allele CA338228263.

ClinVar aggregate classification (germline): Uncertain significance. Review status: criteria provided, multiple submitters, no conflicts (2 of 4 stars). 3 submissions from 3 submitters: Uncertain significance (3). Last evaluated 2025-01-29.

Conditions:
Pheochromocytoma/paraganglioma syndrome 4. Also called: SDHB-Related Hereditary Paraganglioma-Pheochromocytoma Syndrome (Paragangliomas 4); SDHB-Related Hereditary Paraganglioma-Pheochromocytoma Syndrome; CAROTID BODY TUMORS AND MULTIPLE EXTRAADRENAL PHEOCHROMOCYTOMAS; PARAGANGLIOMA, FAMILIAL MALIGNANT; PARAGANGLIOMAS, HEREDITARY EXTRAADRENAL; PHEOCHROMOCYTOMA, FAMILIAL EXTRAADRENAL. Identifiers: Orphanet 29072, MedGen C1861848, MONDO:0007273, OMIM 115310.
Pheochromocytoma. Also called: MAX-Related Hereditary Paraganglioma-Pheochromocytoma Syndrome. Identifiers: Orphanet 29072, MedGen C0031511, MONDO:0008233, OMIM 171300, HP:0002666.
Gastrointestinal stromal tumor. Also called: Gastrointestinal stromal tumor, somatic; Gastrointestinal stroma tumor. Identifiers: Orphanet 44890, MedGen C0238198, MeSH D046152, MONDO:0011719, OMIM 606764, HP:0100723.
Hereditary cancer-predisposing syndrome. Also called: Neoplastic Syndromes, Hereditary; Tumor predisposition; Hereditary Cancer Syndrome; Hereditary neoplastic syndrome. Identifiers: Orphanet 140162, MedGen C0027672, MeSH D009386, MONDO:0015356.
Hereditary pheochromocytoma and paraganglioma. Also called: Hereditary paragangliomas and pheochromocytomas; Hereditary pheochromocytoma-paraganglioma; Hereditary Paraganglioma-Pheochromocytoma Syndromes. Identifiers: Orphanet 29072, MedGen C4274332, MONDO:0017366.

Allele frequency attached by ClinVar (database versions not stated): TOPMed 0.00001.
gnomAD v4.1: 10 of 1,613,764 alleles (0.00062%); highest among the groups gnomAD compares: Non-Finnish European, 0.00085%; no homozygotes.

Submissions (3):

Labcorp Genetics (formerly Invitae), Labcorp
Classification: Uncertain significance for Gastrointestinal stromal tumor; Pheochromocytoma/paraganglioma syndrome 4; Pheochromocytoma. Last evaluated: 2025-01-29. Review status: criteria provided, single submitter. Criteria: Invitae Variant Classification Sherloc (09022015). Collection method: clinical testing. Allele origin: germline.
Comment: This sequence change replaces arginine, which is basic and polar, with proline, which is neutral and non-polar, at codon 38 of the SDHB protein (p.Arg38Pro). This variant is present in population databases (no rsID available, gnomAD 0.0009%). This variant has not been reported in the literature in individuals affected with SDHB-related conditions. ClinVar contains an entry for this variant (Variation ID: 660407). Invitae Evidence Modeling of protein sequence and biophysical properties (such as structural, functional, and spatial information, amino acid conservation, physicochemical variation, residue mobility, and thermodynamic stability) indicates that this missense variant is not expected to disrupt SDHB protein function with a negative predictive value of 95%. In summary, the available evidence is currently insufficient to determine the role of this variant in disease. Therefore, it has been classified as a Variant of Uncertain Significance.

All of Us Research Program, National Institutes of Health
Classification: Uncertain significance for Hereditary pheochromocytoma and paraganglioma. Last evaluated: 2024-02-22. Review status: criteria provided, single submitter. Criteria: ACMG Guidelines, 2015. Collection method: clinical testing. Allele origin: germline. Inheritance: Autosomal dominant inheritance. Observed: 2 variant alleles, 2 heterozygotes.
Comment: This missense variant replaces arginine with proline at codon 38 of the SDHB protein. Computational prediction is inconclusive regarding the impact of this variant on protein structure and function (internally defined REVEL score threshold 0.5 < inconclusive < 0.7, PMID: 27666373). To our knowledge, functional studies have not been reported for this variant. This variant has not been reported in individuals affected with SDHB-related disorders in the literature. This variant has been identified in 1/251266 chromosomes in the general population by the Genome Aggregation Database (gnomAD). The available evidence is insufficient to determine the role of this variant in disease conclusively. Therefore, this variant is classified as a Variant of Uncertain Significance.

This study involves interpretation of variants in research participants for the purpose of population health screening. Participant phenotype was not available at the time of variant classification. Additional details can be found in publication PMID: 35346344, PMCID: PMC8962531

Ambry Genetics
Classification: Uncertain significance for Hereditary cancer-predisposing syndrome. Last evaluated: 2023-03-16. Review status: criteria provided, single submitter. Criteria: Ambry Variant Classification Scheme 2023. Collection method: clinical testing. Allele origin: germline.
Comment: The p.R38P variant (also known as c.113G>C), located in coding exon 2 of the SDHB gene, results from a G to C substitution at nucleotide position 113. The arginine at codon 38 is replaced by proline, an amino acid with dissimilar properties. This amino acid position is highly conserved in available vertebrate species. In addition, this alteration is predicted to be deleterious by in silico analysis. Since supporting evidence is limited at this time, the clinical significance of this alteration remains unclear.